The following is an entry in ClinVar:

NM_017739.4(POMGNT1):c.1152+3G>A

Genes: POMGNT1 (protein O-linked mannose N-acetylglucosaminyltransferase 1 (beta 1,2-); minus strand), TSPAN1 (tetraspanin 1; plus strand). Cytogenetic location: 1p34.1.
Variant type: single nucleotide variant.
Coding change: c.1152+3G>A on transcript NM_017739.4 (MANE Select); 3 bases into the intron after coding-DNA position 1152, G replaced by A.
Molecular consequence: intron variant.
Genome position (GRCh38, 1-based): chr1:46,193,171, C>T on the plus strand (G>A on the coding strand, the complement: POMGNT1 is on the minus strand). VCF-style: chr1-46193171-C-T. GRCh37 (hg19) VCF-style: chr1-46658843-C-T.
Other names: c.1152+3G>A (NM_001410783.1, NM_001438689.1, NM_001243766.2 and 3 more transcripts); c.723+3G>A (NM_001290130.2); c.1086+3G>A (NM_001290129.3, NM_001438691.1, NM_001438692.1).
Identifiers: ClinVar variation 954083 (VCV000954083.8), dbSNP rs1657923881, ClinGen allele CA1139656119.

ClinVar aggregate classification (germline): Uncertain significance (1 of 4 stars; one submission).

Conditions:
Autosomal recessive limb-girdle muscular dystrophy type 2O. Also called: MUSCULAR DYSTROPHY-DYSTROGLYCANOPATHY (LIMB-GIRDLE), TYPE C, 3; MUSCULAR DYSTROPHY-DYSTROGLYCANOPATHY, LIMB-GIRDLE, POMGNT1-RELATED; Limb-Girdle Muscular Dystrophy Type 3C. Identifiers: Orphanet 206564, MedGen C3150417, MONDO:0013161, OMIM 613157.
Muscular dystrophy-dystroglycanopathy (congenital with impaired intellectual development), type B, 3. Also called: Muscular dystrophy-dystroglycanopathy (congenital with intellectual disability), type B3; MUSCULAR DYSTROPHY, CONGENITAL, POMGNT1-RELATED. Identifiers: MedGen C3150412, MONDO:0013155, OMIM 613151.

Submission:

Labcorp Genetics (formerly Invitae), Labcorp
Classification: Uncertain significance for Autosomal recessive limb-girdle muscular dystrophy type 2O; Muscular dystrophy-dystroglycanopathy (congenital with impaired intellectual development), type B, 3. Last evaluated: 2022-01-12. Review status: criteria provided, single submitter. Criteria: Invitae Variant Classification Sherloc (09022015). Collection method: clinical testing. Allele origin: germline.
Comment: In summary, the available evidence is currently insufficient to determine the role of this variant in disease. Therefore, it has been classified as a Variant of Uncertain Significance. Variants that disrupt the consensus splice site are a relatively common cause of aberrant splicing (PMID: 17576681, 9536098). Algorithms developed to predict the effect of sequence changes on RNA splicing suggest that this variant is not likely to affect RNA splicing. ClinVar contains an entry for this variant (Variation ID: 954083). This variant has not been reported in the literature in individuals affected with POMGNT1-related conditions. This variant is not present in population databases (gnomAD no frequency). This sequence change falls in intron 13 of the POMGNT1 gene. It does not directly change the encoded amino acid sequence of the POMGNT1 protein. It affects a nucleotide within the consensus splice site.

Literature cited by the submitters: PubMed 17576681; PubMed 9536098.